The following is an entry in ClinVar:

ClinVar aggregate classification (germline): Uncertain significance. Review status: criteria provided, multiple submitters, no conflicts (2 of 4 stars). 3 submissions from 3 submitters: Uncertain significance (3). Last evaluated 2024-10-09.

Allele frequency attached by ClinVar (database versions not stated): gnomAD 0.00002 and 0.00003; TOPMed 0.00003; gnomAD exomes 0.00008.
gnomAD v4.1: 55 of 1,613,832 alleles (0.0034%); highest among the groups gnomAD compares: Non-Finnish European, 0.0032%; no homozygotes.

Submissions (3):

Labcorp Genetics (formerly Invitae), Labcorp
Classification: Uncertain significance. Last evaluated: 2024-10-09. Review status: criteria provided, single submitter. Criteria: Invitae Variant Classification Sherloc (09022015). Collection method: clinical testing. Allele origin: germline.
Comment: This sequence change replaces glutamic acid, which is acidic and polar, with glycine, which is neutral and non-polar, at codon 162 of the HYOU1 protein (p.Glu162Gly). This variant is present in population databases (rs782625774, gnomAD 0.02%). This variant has not been reported in the literature in individuals affected with HYOU1-related conditions. ClinVar contains an entry for this variant (Variation ID: 1440661). An algorithm developed to predict the effect of missense changes on protein structure and function (PolyPhen-2) suggests that this variant is likely to be disruptive. In summary, the available evidence is currently insufficient to determine the role of this variant in disease. Therefore, it has been classified as a Variant of Uncertain Significance.

Ambry Genetics
Classification: Uncertain significance. Last evaluated: 2021-06-22. Review status: criteria provided, single submitter. Criteria: Ambry Variant Classification Scheme 2023. Collection method: clinical testing. Allele origin: germline.

Breakthrough Genomics
Classification: Uncertain significance. Review status: criteria provided, single submitter. Criteria: ACMG Guidelines, 2015. Collection method: not provided. Allele origin: germline. Inheritance: Autosomal recessive inheritance. Affected: yes.

NM_006389.5(HYOU1):c.485A>G (p.Glu162Gly)

Gene: HYOU1 (hypoxia up-regulated 1; minus strand). Cytogenetic location: 11q23.3.
Variant type: single nucleotide variant.
Coding change: c.485A>G on transcript NM_006389.5 (MANE Select); coding-DNA position 485, A replaced by G.
Protein change: p.Glu162Gly; replaces glutamic acid 162 with glycine.
Molecular consequence: missense variant.
Genome position (GRCh38, 1-based): chr11:119,054,995, T>C on the plus strand (A>G on the coding strand, the complement: HYOU1 is on the minus strand). VCF-style: chr11-119054995-T-C. GRCh37 (hg19) VCF-style: chr11-118925707-T-C.
Other names: c.485A>G (NM_006389.3); c.485A>G, p.Glu162Gly (NM_001130991.3); short protein forms E162G.
Identifiers: ClinVar variation 1440661 (VCV001440661.10), dbSNP rs782625774, ClinGen allele CA229648430.